The following is an entry in ClinVar:

NM_001371727.1(GABRB2):c.719G>T (p.Arg240Ile)

Gene: GABRB2 (gamma-aminobutyric acid type A receptor subunit beta2; minus strand). Cytogenetic location: 5q34.
Variant type: single nucleotide variant.
Coding change: c.719G>T on transcript NM_001371727.1 (MANE Select); coding-DNA position 719, G replaced by T.
Protein change: p.Arg240Ile; replaces arginine 240 with isoleucine.
Molecular consequence: missense variant.
Genome position (GRCh38, 1-based): chr5:161,334,865, C>A on the plus strand (G>T on the coding strand, the complement: GABRB2 is on the minus strand). VCF-style: chr5-161334865-C-A. GRCh37 (hg19) VCF-style: chr5-160761872-C-A.
Other names: c.719G>T, p.Arg240Ile (NM_000813.3, NM_021911.3); short protein forms R240I.
Identifiers: ClinVar variation 3635565 (VCV003635565.2).

ClinVar aggregate classification (germline): Likely pathogenic (1 of 4 stars; one submission).

Conditions:
Intellectual disability. Also called: Intellectual functioning disability; intellectual disabilities; Intellectual developmental disorder. Identifiers: MedGen C3714756, MeSH D008607, MONDO:0001071, HP:0001249.

Submission:

Labcorp Genetics (formerly Invitae), Labcorp
Classification: Likely pathogenic for Intellectual disability. Last evaluated: 2026-01-05. Review status: criteria provided, single submitter. Criteria: Invitae Variant Classification Sherloc (09022015). Collection method: clinical testing. Allele origin: germline.
Comment: This sequence change replaces arginine, which is basic and polar, with isoleucine, which is neutral and non-polar, at codon 240 of the GABRB2 protein (p.Arg240Ile). This variant is not present in population databases (gnomAD no frequency). This variant has not been reported in the literature in individuals affected with GABRB2-related conditions. ClinVar contains an entry for this variant (Variation ID: 3635565). Invitae Evidence Modeling of protein sequence and biophysical properties (such as structural, functional, and spatial information, amino acid conservation, physicochemical variation, residue mobility, and thermodynamic stability) indicates that this missense variant is expected to disrupt GABRB2 protein function with a positive predictive value of 95%. This variant disrupts the p.Arg240 amino acid residue in GABRB2. Other variant(s) that disrupt this residue have been determined to be pathogenic (PMID: 30552426, 31269553). This suggests that this residue is clinically significant, and that variants that disrupt this residue are likely to be disease-causing. In summary, the currently available evidence indicates that the variant is pathogenic, but additional data are needed to prove that conclusively. Therefore, this variant has been classified as Likely Pathogenic.

Literature cited by the submitters: PubMed 30552426; PubMed 31269553.